The following is an entry in ClinVar:

ClinVar aggregate classification (germline): Conflicting classifications of pathogenicity. Review status: criteria provided, conflicting classifications (1 of 4 stars). 7 submissions from 5 submitters: Uncertain significance (4); Likely benign (3). Last evaluated 2025-08-04.

Conditions:
Hereditary spherocytosis type 3. Also called: SPTA1-Related Spherocytosis; Spherocytosis type 3. Identifiers: Orphanet 822, MedGen C2678338, MONDO:0010053, OMIM 270970.
Elliptocytosis 2 (EL2). Also called: ELLIPTOCYTOSIS, RHESUS-UNLINKED TYPE. Identifiers: Orphanet 288, MedGen C1851741, MONDO:0007533, OMIM 130600.
Pyropoikilocytosis, hereditary. Also called: Pyropoikilocytosis. Identifiers: MedGen C0520739, MONDO:0009948, OMIM 266140, HP:0004839. Disease mechanism: loss of function.

Allele frequency attached by ClinVar (database versions not stated): TOPMed 0.00002; gnomAD 0.00003; gnomAD exomes 0.00003; ExAC 0.00005.
gnomAD v4.1: 104 of 1,614,002 alleles (0.0064%); highest among the groups gnomAD compares: Middle Eastern, 0.15%; 1 homozygote.

Submissions (7):

Ambry Genetics
Classification: Likely benign. Last evaluated: 2025-08-04. Review status: criteria provided, single submitter. Criteria: Ambry Variant Classification Scheme 2023. Collection method: clinical testing. Allele origin: germline.

CeGaT Center for Human Genetics Tuebingen
Classification: Likely benign. Last evaluated: 2025-07-01. Review status: criteria provided, single submitter. Criteria: CeGaT Center For Human Genetics Tuebingen Variant Classification Criteria Version 2. Collection method: clinical testing. Allele origin: germline. Affected: yes. Observed: 1 variant allele.
Comment: SPTA1: BP4, BP7

Mayo Clinic Laboratories, Mayo Clinic
Classification: Likely benign. Last evaluated: 2025-01-09. Review status: criteria provided, single submitter. Criteria: ACMG Guidelines, 2015. Collection method: clinical testing. Allele origin: germline. Observed: 1 variant allele.
Comment: BP4, BP7

Illumina Laboratory Services, Illumina
Classification: Uncertain significance for Hereditary spherocytosis type 3. Last evaluated: 2018-01-12. Review status: criteria provided, single submitter. Criteria: ICSL Variant Classification Criteria 13 December 2019. Collection method: clinical testing. Allele origin: germline.

Illumina Laboratory Services, Illumina
Classification: Uncertain significance for Elliptocytosis 2. Last evaluated: 2018-01-12. Review status: criteria provided, single submitter. Criteria: ICSL Variant Classification Criteria 13 December 2019. Collection method: clinical testing. Allele origin: germline.

Illumina Laboratory Services, Illumina
Classification: Uncertain significance for Pyropoikilocytosis, hereditary. Last evaluated: 2018-01-12. Review status: criteria provided, single submitter. Criteria: ICSL Variant Classification Criteria 13 December 2019. Collection method: clinical testing. Allele origin: germline.

Breakthrough Genomics
Classification: Uncertain significance. Review status: criteria provided, single submitter. Criteria: ACMG Guidelines, 2015. Collection method: not provided. Allele origin: germline. Inheritance: Autosomal recessive inheritance. Affected: yes.

NM_003126.4(SPTA1):c.6390C>T (p.Thr2130=)

Gene: SPTA1 (spectrin alpha, erythrocytic 1; minus strand). Cytogenetic location: 1q23.1.
Variant type: single nucleotide variant.
Coding change: c.6390C>T on transcript NM_003126.4 (MANE Select); coding-DNA position 6390, C replaced by T.
Protein change: p.Thr2130=; no amino-acid change (threonine 2130 retained).
Molecular consequence: synonymous variant.
Genome position (GRCh38, 1-based): chr1:158,620,197, G>A on the plus strand (C>T on the coding strand, the complement: SPTA1 is on the minus strand). VCF-style: chr1-158620197-G-A. GRCh37 (hg19) VCF-style: chr1-158589987-G-A.
Other names: p.Thr2130=.
Identifiers: ClinVar variation 292952 (VCV000292952.16), dbSNP rs756418963, ClinGen allele CA1182019.